The following is an entry in ClinVar:

ClinVar aggregate classification (germline): Likely benign. Review status: criteria provided, multiple submitters, no conflicts (2 of 4 stars). 6 submissions from 6 submitters: Likely benign (5). 1 of the submissions does not count toward it. Last evaluated 2025-12-20.

Conditions:
MYL2-related disorder. Also called: MYL2-related condition; MYL2-related disease; MYL2-related disorders.
Cardiovascular phenotype. Identifiers: MedGen CN230736.
Cardiomyopathy (CMYO). Also called: Cardiomyopathies. Identifiers: Orphanet 167848, MedGen C0878544, MONDO:0004994, HP:0001638. Inheritance: Various modes of inheritance.
Hypertrophic cardiomyopathy 10. Also called: CARDIOMYOPATHY, HYPERTROPHIC, MID-LEFT VENTRICULAR CHAMBER TYPE, 2; MYL2-Related Familial Hypertrophic Cardiomyopathy. Identifiers: MedGen C1834460, MONDO:0012112, OMIM 608758.

Allele frequency attached by ClinVar (database versions not stated): ExAC 0.00001; TOPMed 0.00001; ESP Exome Variant Server 0.00008.

Submissions (6):

Labcorp Genetics (formerly Invitae), Labcorp
Classification: Likely benign for Hypertrophic cardiomyopathy 10. Last evaluated: 2025-12-20. Review status: criteria provided, single submitter. Criteria: Invitae Variant Classification Sherloc (09022015). Collection method: clinical testing. Allele origin: germline.

Women's Health and Genetics/Laboratory Corporation of America, LabCorp
Classification: Likely benign. Last evaluated: 2023-01-21. Review status: criteria provided, single submitter. Criteria: LabCorp Variant Classification Summary - May 2015. Collection method: clinical testing. Allele origin: germline.

Color Diagnostics, LLC DBA Color Health
Classification: Likely benign for Cardiomyopathy. Last evaluated: 2022-11-06. Review status: criteria provided, single submitter. Criteria: ACMG Guidelines, 2015. Collection method: clinical testing. Allele origin: germline.

Ambry Genetics
Classification: Likely benign for Cardiovascular phenotype. Last evaluated: 2019-08-15. Review status: criteria provided, single submitter. Criteria: Ambry Variant Classification Scheme 2023. Collection method: clinical testing. Allele origin: germline.

Laboratory for Molecular Medicine, Mass General Brigham Personalized Medicine
Classification: Likely benign. Last evaluated: 2012-04-17. Review status: criteria provided, single submitter. Criteria: LMM Criteria. Collection method: clinical testing. Allele origin: germline. Observed: 2 variant alleles.
Comment: Pro143Pro in exon 7 of MYL2: This variant is not expected to have clinical signi ficance because it does not alter an amino acid residue and is not located withi n the splice consensus sequence. This variant has been identified in 0.03% (1/37 38) of African American chromosomes from a broad population by the NHLBI Exome S equencing Project Pro143Pro in exon 7 of M YL2 (allele frequency = 0.03%, 1/3738) **

PreventionGenetics, part of Exact Sciences
Classification: Likely benign for MYL2-related condition. Last evaluated: 2019-05-30. Review status: no assertion criteria provided. Collection method: clinical testing. Allele origin: germline. Not counted in ClinVar's aggregate classification.
Comment: This variant is classified as likely benign based on ACMG/AMP sequence variant interpretation guidelines (Richards et al. 2015 PMID: 25741868, with internal and published modifications).

NM_000432.4(MYL2):c.429C>G (p.Pro143=)

Gene: MYL2 (myosin light chain 2; minus strand). Cytogenetic location: 12q24.11.
Variant type: single nucleotide variant.
Coding change: c.429C>G on transcript NM_000432.4 (MANE Select); coding-DNA position 429, C replaced by G.
Protein change: p.Pro143=; no amino-acid change (proline 143 retained).
Molecular consequence: synonymous variant.
Genome position (GRCh38, 1-based): chr12:110,911,149, G>C on the plus strand (C>G on the coding strand, the complement: MYL2 is on the minus strand). VCF-style: chr12-110911149-G-C. GRCh37 (hg19) VCF-style: chr12-111348953-G-C.
Identifiers: ClinVar variation 43476 (VCV000043476.21), dbSNP rs374328118, ClinGen allele CA010353.